The following is an entry in ClinVar:

NM_016213.5(TRIP4):c.1126T>G (p.Leu376Val)

Gene: TRIP4 (thyroid hormone receptor interactor 4; plus strand). Cytogenetic location: 15q22.31.
Variant type: single nucleotide variant.
Coding change: c.1126T>G on transcript NM_016213.5 (MANE Select); coding-DNA position 1126, T replaced by G.
Protein change: p.Leu376Val; replaces leucine 376 with valine.
Molecular consequence: missense variant.
Genome position (GRCh38, 1-based): chr15:64,414,167, T>G. VCF-style: chr15-64414167-T-G. GRCh37 (hg19) VCF-style: chr15-64706366-T-G.
Other names: c.436T>G, p.Leu146Val (NM_001321924.2); short protein forms L146V, L376V.
Identifiers: ClinVar variation 1309849 (VCV001309849.2), dbSNP rs760377290, ClinGen allele CA7609551.
Genomic context (GRCh38, chr15:64,414,167, plus strand): 5'-ATTGCCAATGGAACCTTGAACCAGCCACTGACCAAATTGGATAGATCTTCTGAAGAGCCT[T>G]TGGGAGTTCTGGTAAATCCCAACATGTACCAGTCCCCTCCCCAGGTTAGTGGACCTTTGC-3'
Protein context (NP_057297.2, residues 366-386): TKLDRSSEEP[Leu376Val]GVLVNPNMYQ

ClinVar aggregate classification (germline): Uncertain significance (1 of 4 stars; one submission).

Allele frequency attached by ClinVar (database versions not stated): gnomAD exomes 0.00001; ExAC 0.00002.
gnomAD v4.1: 5 of 1,614,166 alleles (0.00031%); highest among the groups gnomAD compares: Middle Eastern, 0.082%; no homozygotes.

Submission:

GeneDx
Classification: Uncertain significance. Last evaluated: 2019-11-01. Review status: criteria provided, single submitter. Criteria: GeneDx Variant Classification Process June 2021. Collection method: clinical testing. Allele origin: germline. Affected: yes.
Comment: In silico analysis, which includes protein predictors and evolutionary conservation, supports that this variant does not alter protein structure/function; Has not been previously published as pathogenic or benign to our knowledge